The following is an entry in ClinVar:

NM_001040716.2(PC):c.903+2del

Gene: PC (pyruvate carboxylase; minus strand). Cytogenetic location: 11q13.2.
Variant type: Deletion.
Coding change: c.903+2del on transcript NM_001040716.2 (MANE Select); the canonical splice donor site of the intron after coding-DNA position 903, one base deleted (T; older notation c.903+2delT).
Molecular consequence: splice donor variant.
Genome position (GRCh38, 1-based): chr11:66,870,300, A deleted on the plus strand (T on the coding strand, the reverse complement: PC is on the minus strand). VCF-style (leftmost placement, unchanged base first): chr11-66870299-CA-C. GRCh37 (hg19) VCF-style: chr11-66637770-CA-C.
Other names: c.903+2del (NM_000920.4, NM_022172.3).
Identifiers: ClinVar variation 3633298 (VCV003633298.2).

ClinVar aggregate classification (germline): Likely pathogenic (1 of 4 stars; one submission).

Conditions:
Pyruvate carboxylase deficiency. Also called: Pyruvate Carboxylase Deficiency Disease; ATAXIA WITH LACTIC ACIDOSIS II; LEIGH NECROTIZING ENCEPHALOPATHY DUE TO PYRUVATE CARBOXYLASE DEFICIENCY; LEIGH SYNDROME DUE TO PYRUVATE CARBOXYLASE DEFICIENCY; PC DEFICIENCY. Identifiers: Orphanet 3008, MedGen C0034341, MONDO:0009949, OMIM 266150.

Submission:

Labcorp Genetics (formerly Invitae), Labcorp
Classification: Likely pathogenic for Pyruvate carboxylase deficiency. Last evaluated: 2024-02-19. Review status: criteria provided, single submitter. Criteria: Invitae Variant Classification Sherloc (09022015). Collection method: clinical testing. Allele origin: germline.
Comment: This sequence change affects a splice site in intron 8 of the PC gene. It is expected to disrupt RNA splicing. Variants that disrupt the donor or acceptor splice site typically lead to a loss of protein function (PMID: 16199547), and loss-of-function variants in PC are known to be pathogenic (PMID: 12112657, 19306334). This variant is present in population databases (no rsID available, gnomAD 0.006%). This variant has not been reported in the literature in individuals affected with PC-related conditions. Algorithms developed to predict the effect of sequence changes on RNA splicing suggest that this variant may disrupt the consensus splice site. In summary, the currently available evidence indicates that the variant is pathogenic, but additional data are needed to prove that conclusively. Therefore, this variant has been classified as Likely Pathogenic.

Literature cited by the submitters: PubMed 16199547; PubMed 12112657; PubMed 19306334.